The following is an entry in ClinVar:

NM_003072.5(SMARCA4):c.121A>G (p.Ser41Gly)

Gene: SMARCA4 (SWI/SNF related BAF chromatin remodeling complex subunit ATPase 4; plus strand). Cytogenetic location: 19p13.2.
Variant type: single nucleotide variant.
Coding change: c.121A>G on transcript NM_003072.5 (MANE Select); coding-DNA position 121, A replaced by G.
Protein change: p.Ser41Gly; replaces serine 41 with glycine.
Molecular consequence: missense variant. On other transcripts: non-coding transcript variant (1).
Genome position (GRCh38, 1-based): chr19:10,984,272, A>G. VCF-style: chr19-10984272-A-G. GRCh37 (hg19) VCF-style: chr19-11094948-A-G.
Other names: c.121A>G, p.Ser41Gly (NM_001128844.3, NM_001128845.2, NM_001128846.2 and 5 more transcripts); short protein forms S41G.
Identifiers: ClinVar variation 480692 (VCV000480692.16), dbSNP rs1555750818, ClinGen allele CA404054316.

ClinVar aggregate classification (germline): Uncertain significance. Review status: criteria provided, multiple submitters, no conflicts (2 of 4 stars). 4 submissions from 4 submitters: Uncertain significance (4). Last evaluated 2025-07-14.

Conditions:
Hereditary cancer-predisposing syndrome. Also called: Hereditary Cancer Syndrome; Neoplastic Syndromes, Hereditary; Tumor predisposition; Hereditary neoplastic syndrome. Identifiers: Orphanet 140162, MedGen C0027672, MeSH D009386, MONDO:0015356.
Intellectual disability, autosomal dominant 16 (CSS4). Also called: COFFIN-SIRIS SYNDROME 4. Identifiers: Orphanet 1465, MedGen C3553249, MONDO:0013821, OMIM 614609.
Rhabdoid tumor predisposition syndrome 2 (RTPS2). Identifiers: Orphanet 231108, Orphanet 69077, MedGen C2750074, MONDO:0013224, OMIM 613325.

Allele frequency attached by ClinVar (database versions not stated): TOPMed below 0.00001.

Submissions (4):

Labcorp Genetics (formerly Invitae), Labcorp
Classification: Uncertain significance for Rhabdoid tumor predisposition syndrome 2. Last evaluated: 2025-07-14. Review status: criteria provided, single submitter. Criteria: Invitae Variant Classification Sherloc (09022015). Collection method: clinical testing. Allele origin: germline.
Comment: This sequence change replaces serine, which is neutral and polar, with glycine, which is neutral and non-polar, at codon 41 of the SMARCA4 protein (p.Ser41Gly). This variant is not present in population databases (gnomAD no frequency). This variant has not been reported in the literature in individuals affected with SMARCA4-related conditions. ClinVar contains an entry for this variant (Variation ID: 480692). Invitae Evidence Modeling of protein sequence and biophysical properties (such as structural, functional, and spatial information, amino acid conservation, physicochemical variation, residue mobility, and thermodynamic stability) indicates that this missense variant is not expected to disrupt SMARCA4 protein function with a negative predictive value of 95%. In summary, the available evidence is currently insufficient to determine the role of this variant in disease. Therefore, it has been classified as a Variant of Uncertain Significance.

Baylor Genetics
Classification: Uncertain significance for Rhabdoid tumor predisposition syndrome 2. Last evaluated: 2023-08-16. Review status: criteria provided, single submitter. Criteria: ACMG Guidelines, 2015. Collection method: clinical testing. Allele origin: unknown.

Genome-Nilou Lab
Classification: Uncertain significance for Intellectual disability, autosomal dominant 16. Last evaluated: 2021-07-15. Review status: criteria provided, single submitter. Criteria: ACMG Guidelines, 2015. Collection method: clinical testing. Allele origin: germline. Affected: no.

Ambry Genetics
Classification: Uncertain significance for Hereditary cancer-predisposing syndrome. Last evaluated: 2017-06-29. Review status: criteria provided, single submitter. Criteria: Ambry Variant Classification Scheme 2023. Collection method: clinical testing. Allele origin: germline.
Comment: The p.S41G variant (also known as c.121A>G), located in coding exon 1 of the SMARCA4 gene, results from an A to G substitution at nucleotide position 121. The serine at codon 41 is replaced by glycine, an amino acid with similar properties. This amino acid position is well conserved in available vertebrate species. In addition, this alteration is predicted to be tolerated by in silico analysis. Since supporting evidence is limited at this time, the clinical significance of this alteration remains unclear.